The following is an entry in ClinVar:

NM_001114753.3(ENG):c.1263C>G (p.Ile421Met)

Genes: ENG (endoglin; minus strand), LOC102723566 (uncharacterized LOC102723566; plus strand). Cytogenetic location: 9q34.11.
Variant type: single nucleotide variant.
Coding change: c.1263C>G on transcript NM_001114753.3 (MANE Select); coding-DNA position 1263, C replaced by G.
Protein change: p.Ile421Met; replaces isoleucine 421 with methionine.
Molecular consequence: missense variant.
Genome position (GRCh38, 1-based): chr9:127,819,909, G>C on the plus strand (C>G on the coding strand, the complement: ENG is on the minus strand). VCF-style: chr9-127819909-G-C. GRCh37 (hg19) VCF-style: chr9-130582188-G-C.
Other names: c.1263C>G, p.Ile421Met (NM_000118.4); c.717C>G, p.Ile239Met (NM_001278138.2); c.1263C>G (NM_001114753.1); short protein forms I239M, I421M.
Identifiers: ClinVar variation 1514999 (VCV001514999.10), dbSNP rs760446518, ClinGen allele CA5252837.

ClinVar aggregate classification (germline): Uncertain significance. Review status: criteria provided, multiple submitters, no conflicts (2 of 4 stars). 3 submissions from 3 submitters: Uncertain significance (3). Last evaluated 2026-04-26.

Conditions:
Cardiovascular phenotype. Identifiers: MedGen CN230736.
Telangiectasia, hereditary hemorrhagic, type 1 (HHT1). Also called: Osler Weber Rendu syndrome type 1; ENG-Related Hereditary Hemorrhagic Telangiectasia. Identifiers: Orphanet 774, MedGen C4551861, MONDO:0008535, OMIM 187300. Disease mechanism: loss of function.
Hereditary hemorrhagic telangiectasia (HHT). Also called: ORW DISEASE; Osler Weber Rendu syndrome; OSLER-RENDU-WEBER DISEASE; Osler hemorrhagic telangiectasia syndrome. Identifiers: Orphanet 774, MedGen C0039445, MONDO:0019180. Disease mechanism: loss of function.

Allele frequency attached by ClinVar (database versions not stated): gnomAD exomes below 0.00001; ExAC 0.00001.
gnomAD v4.1: 3 of 1,614,232 alleles (0.00019%); highest among the groups gnomAD compares: Admixed American, 0.0017%; no homozygotes.

Submissions (3):

Ambry Genetics
Classification: Uncertain significance for Cardiovascular phenotype. Last evaluated: 2026-04-26. Review status: criteria provided, single submitter. Criteria: Ambry Variant Classification Scheme 2023. Collection method: clinical testing. Allele origin: germline.
Comment: The p.I421M variant (also known as c.1263C>G), located in coding exon 9 of the ENG gene, results from a C to G substitution at nucleotide position 1263. The isoleucine at codon 421 is replaced by methionine, an amino acid with highly similar properties. This amino acid position is conserved. In addition, this alteration is predicted to be tolerated by in silico analysis. Based on the available evidence, the clinical significance of this variant remains unclear.

Labcorp Genetics (formerly Invitae), Labcorp
Classification: Uncertain significance for Hereditary hemorrhagic telangiectasia. Last evaluated: 2025-05-06. Review status: criteria provided, single submitter. Criteria: Invitae Variant Classification Sherloc (09022015). Collection method: clinical testing. Allele origin: germline.
Comment: This sequence change replaces isoleucine, which is neutral and non-polar, with methionine, which is neutral and non-polar, at codon 421 of the ENG protein (p.Ile421Met). This variant is present in population databases (rs760446518, gnomAD 0.003%). This variant has not been reported in the literature in individuals affected with ENG-related conditions. ClinVar contains an entry for this variant (Variation ID: 1514999). Invitae Evidence Modeling of protein sequence and biophysical properties (such as structural, functional, and spatial information, amino acid conservation, physicochemical variation, residue mobility, and thermodynamic stability) has been performed for this missense variant. However, the output from this modeling did not meet the statistical confidence thresholds required to predict the impact of this variant on ENG protein function. In summary, the available evidence is currently insufficient to determine the role of this variant in disease. Therefore, it has been classified as a Variant of Uncertain Significance.

Fulgent Genetics
Classification: Uncertain significance for Telangiectasia, hereditary hemorrhagic, type 1. Last evaluated: 2021-07-22. Review status: criteria provided, single submitter. Criteria: ACMG Guidelines, 2015. Collection method: clinical testing. Allele origin: unknown.